The following is an entry in ClinVar:

ClinVar aggregate classification (germline): Conflicting classifications of pathogenicity. Review status: criteria provided, conflicting classifications (1 of 4 stars). 5 submissions from 5 submitters: Uncertain significance (4); Likely benign (1). Last evaluated 2025-07-06.

Conditions:
Inborn genetic diseases. Identifiers: MedGen C0950123, MeSH D030342.
Menke-Hennekam syndrome 1 (MKHK1). Identifiers: MedGen C5193034, MONDO:0020763, OMIM 618332.
Rubinstein-Taybi syndrome due to CREBBP mutations (RSTS1). Also called: RUBINSTEIN SYNDROME; Rubinstein-Taybi syndrome 1; BROAD THUMBS AND GREAT TOES, CHARACTERISTIC FACIES, AND IMPAIRED INTELLECTUAL DEVELOPMENT; CREBBP-Related Rubinstein-Taybi Syndrome; RUBINSTEIN-TAYBI SYNDROME 1, INCOMPLETE; BROAD THUMB-HALLUX SYNDROME. Identifiers: Orphanet 353277, Orphanet 783, MedGen C4551859, MONDO:0008393, OMIM 180849.
Rubinstein-Taybi syndrome (RSTS). Identifiers: Orphanet 783, MedGen C0035934, MONDO:0019188.

Allele frequency attached by ClinVar (database versions not stated): gnomAD 0.00002 and 0.00003.
gnomAD v4.1: 24 of 1,614,150 alleles (0.0015%); highest among the groups gnomAD compares: Middle Eastern, 0.016%; no homozygotes.

Submissions (5):

Labcorp Genetics (formerly Invitae), Labcorp
Classification: Uncertain significance for Rubinstein-Taybi syndrome. Last evaluated: 2025-07-06. Review status: criteria provided, single submitter. Criteria: Invitae Variant Classification Sherloc (09022015). Collection method: clinical testing. Allele origin: germline.
Comment: This sequence change replaces serine, which is neutral and polar, with leucine, which is neutral and non-polar, at codon 1078 of the CREBBP protein (p.Ser1078Leu). This variant is not present in population databases (gnomAD no frequency). This variant has not been reported in the literature in individuals affected with CREBBP-related conditions. ClinVar contains an entry for this variant (Variation ID: 1254785). Invitae Evidence Modeling of protein sequence and biophysical properties (such as structural, functional, and spatial information, amino acid conservation, physicochemical variation, residue mobility, and thermodynamic stability) indicates that this missense variant is not expected to disrupt CREBBP protein function with a negative predictive value of 95%. In summary, the available evidence is currently insufficient to determine the role of this variant in disease. Therefore, it has been classified as a Variant of Uncertain Significance.

Ambry Genetics
Classification: Uncertain significance for Inborn genetic diseases. Last evaluated: 2025-05-09. Review status: criteria provided, single submitter. Criteria: Ambry Variant Classification Scheme 2023. Collection method: clinical testing. Allele origin: germline.

Fulgent Genetics
Classification: Likely benign for Rubinstein-Taybi syndrome due to CREBBP mutations; Menke-Hennekam syndrome 1. Last evaluated: 2024-06-17. Review status: criteria provided, single submitter. Criteria: ACMG Guidelines, 2015. Collection method: clinical testing. Allele origin: germline.

GeneDx
Classification: Uncertain significance. Last evaluated: 2021-07-21. Review status: criteria provided, single submitter. Criteria: GeneDx Variant Classification Process June 2021. Collection method: clinical testing. Allele origin: germline. Affected: yes.
Comment: Has not been previously published as pathogenic or benign to our knowledge; In silico analysis supports that this missense variant has a deleterious effect on protein structure/function; In addtion, in-silico analysis, which includes splice predictors and evolutionary conservation, is inconclusive as to whether the variant alters gene splicing. In the absence of RNA/functional studies, the actual effect of this sequence change is unknown.

Blueprint Genetics
Classification: Uncertain significance. Last evaluated: 2019-12-23. Review status: criteria provided, single submitter. Criteria: ACMG Guidelines, 2015. Collection method: clinical testing. Allele origin: germline.

NM_004380.3(CREBBP):c.3233C>T (p.Ser1078Leu)

Gene: CREBBP (CREB binding lysine acetyltransferase; minus strand). Cytogenetic location: 16p13.3.
Variant type: single nucleotide variant.
Coding change: c.3233C>T on transcript NM_004380.3 (MANE Select); coding-DNA position 3233, C replaced by T.
Protein change: p.Ser1078Leu; replaces serine 1078 with leucine.
Molecular consequence: missense variant.
Genome position (GRCh38, 1-based): chr16:3,767,737, G>A on the plus strand (C>T on the coding strand, the complement: CREBBP is on the minus strand). VCF-style: chr16-3767737-G-A. GRCh37 (hg19) VCF-style: chr16-3817738-G-A.
Other names: c.3119C>T, p.Ser1040Leu (NM_001079846.1); short protein forms S1040L, S1078L.
Identifiers: ClinVar variation 1254785 (VCV001254785.11), dbSNP rs942848385, ClinGen allele CA277006799.